The following is an entry in ClinVar:

NM_003738.5(PTCH2):c.2156G>A (p.Arg719Gln)

Gene: PTCH2 (patched 2; minus strand). Cytogenetic location: 1p34.1.
Variant type: single nucleotide variant.
Coding change: c.2156G>A on transcript NM_003738.5 (MANE Select); coding-DNA position 2156, G replaced by A.
Protein change: p.Arg719Gln; replaces arginine 719 with glutamine.
Molecular consequence: missense variant.
Genome position (GRCh38, 1-based): chr1:44,827,617, C>T on the plus strand (G>A on the coding strand, the complement: PTCH2 is on the minus strand). VCF-style: chr1-44827617-C-T. GRCh37 (hg19) VCF-style: chr1-45293289-C-T.
Other names: c.2156G>A, p.Arg719Gln (NM_001166292.2); short protein forms R719Q.
Identifiers: ClinVar variation 6147 (VCV000006147.9), dbSNP rs121434397, ClinGen allele CA253781.

ClinVar aggregate classification (germline): Uncertain significance. Review status: criteria provided, multiple submitters, no conflicts (2 of 4 stars). 3 submissions from 3 submitters: Uncertain significance (2). 1 of the submissions does not count toward it. Last evaluated 2025-10-01.

Conditions:
Basal cell nevus syndrome 1 (BCNS1). Also called: GORLIN-GOLTZ SYNDROME; MULTIPLE BASAL CELL NEVI, ODONTOGENIC KERATOCYSTS, AND SKELETAL ANOMALIES. Identifiers: MedGen CN376810, MONDO:0958174, OMIM 109400.
Gorlin syndrome. Also called: Basal cell nevus syndrome; Nevoid Basal Cell Carcinoma Syndrome. Identifiers: Orphanet 377, MedGen C0004779, MONDO:0007187.

Allele frequency attached by ClinVar (database versions not stated): gnomAD 0.00001; ExAC 0.00002; TOPMed 0.00002; gnomAD exomes 0.00003.
gnomAD v4.1: 23 of 1,613,706 alleles (0.0014%); highest among the groups gnomAD compares: African/African-American, 0.008%; no homozygotes.

Submissions (3):

Labcorp Genetics (formerly Invitae), Labcorp
Classification: Uncertain significance for Gorlin syndrome. Last evaluated: 2025-10-01. Review status: criteria provided, single submitter. Criteria: Invitae Variant Classification Sherloc (09022015). Collection method: clinical testing. Allele origin: germline.
Comment: This sequence change replaces arginine, which is basic and polar, with glutamine, which is neutral and polar, at codon 719 of the PTCH2 protein (p.Arg719Gln). This variant is present in population databases (rs121434397, gnomAD 0.008%). This missense change has been observed in individual(s) with nevoid basal cell carcinoma syndrome (NBCCS) (PMID: 18285427). ClinVar contains an entry for this variant (Variation ID: 6147). Invitae Evidence Modeling of protein sequence and biophysical properties (such as structural, functional, and spatial information, amino acid conservation, physicochemical variation, residue mobility, and thermodynamic stability) indicates that this missense variant is not expected to disrupt PTCH2 protein function with a negative predictive value of 80%. In summary, the available evidence is currently insufficient to determine the role of this variant in disease. Therefore, it has been classified as a Variant of Uncertain Significance.

St. Jude Molecular Pathology, St. Jude Children's Research Hospital
Classification: Uncertain significance for Basal cell nevus syndrome 1. Last evaluated: 2024-10-31. Review status: criteria provided, single submitter. Criteria: St. Jude Assertion Criteria 2020. Collection method: clinical testing. Allele origin: germline.
Comment: The PTCH2 c.2156G>A (p.Arg719Gln) missense change has a maximum subpopulation frequency of 0.008% in gnomAD v2.1.1. The in silico tool REVEL predicts a deleterious effect on protein function. In summary, the evidence currently available is insufficient to determine the clinical significance of this variant. It has therefore been classified as of uncertain significance.

OMIM
Classification: Uncertain significance for RECLASSIFIED - VARIANT OF UNKNOWN SIGNIFICANCE. Last evaluated: 2008-05-01. Review status: no assertion criteria provided. Collection method: literature only. Allele origin: germline. Not counted in ClinVar's aggregate classification.

Literature cited by the submitters: PubMed 18285427 (cited by Labcorp Genetics (formerly Invitae), Labcorp and OMIM).